The following is an entry in ClinVar:

ClinVar aggregate classification (germline): Pathogenic (1 of 4 stars; one submission).

Conditions:
Early-infantile DEE. Also called: Ohtahara syndrome; Early infantile epileptic encephalopathy with suppression bursts; Early infantile epileptic encephalopathy. Identifiers: Orphanet 1934, MedGen C0393706, MONDO:0800491.

Submission:

Labcorp Genetics (formerly Invitae), Labcorp
Classification: Pathogenic for Early-infantile DEE. Last evaluated: 2020-06-26. Review status: criteria provided, single submitter. Criteria: Invitae Variant Classification Sherloc (09022015). Collection method: clinical testing. Allele origin: germline.
Comment: This variant has been observed in individual(s) with clinical features of early infantile epileptic encephalopathy (Invitae). In at least one individual the variant was observed to be de novo. For these reasons, this variant has been classified as Pathogenic. This variant disrupts the p.Asp355 amino acid residue in KCNQ2. Other variant(s) that disrupt this residue have been determined to be pathogenic (PMID: 28926830). This suggests that this residue is clinically significant, and that variants that disrupt this residue are likely to be disease-causing. Algorithms developed to predict the effect of missense changes on protein structure and function (SIFT, PolyPhen-2, Align-GVGD) all suggest that this variant is likely to be tolerated, but these predictions have not been confirmed by published functional studies and their clinical significance is uncertain. This variant is not present in population databases (ExAC no frequency). This sequence change replaces aspartic acid with glycine at codon 355 of the KCNQ2 protein (p.Asp355Gly). The aspartic acid residue is highly conserved and there is a moderate physicochemical difference between aspartic acid and glycine.

Literature cited by the submitters: PubMed 28926830.

NM_172107.4(KCNQ2):c.1064A>G (p.Asp355Gly)

Gene: KCNQ2 (potassium voltage-gated channel subfamily Q member 2; minus strand). Cytogenetic location: 20q13.33.
Variant type: single nucleotide variant.
Coding change: c.1064A>G on transcript NM_172107.4 (MANE Select); coding-DNA position 1064, A replaced by G.
Protein change: p.Asp355Gly; replaces aspartic acid 355 with glycine.
Molecular consequence: missense variant.
Genome position (GRCh38, 1-based): chr20:63,433,863, T>C on the plus strand (A>G on the coding strand, the complement: KCNQ2 is on the minus strand). VCF-style: chr20-63433863-T-C. GRCh37 (hg19) VCF-style: chr20-62065216-T-C.
Other names: c.1064A>G, p.Asp355Gly (NM_001382235.1, NM_004518.6, NM_172106.3 and 2 more transcripts); short protein forms D355G.
Identifiers: ClinVar variation 1074630 (VCV001074630.10), dbSNP rs2080905274, ClinGen allele CA409651170.